The following is an entry in ClinVar:

ClinVar aggregate classification (germline): Uncertain significance. Review status: criteria provided, multiple submitters, no conflicts (2 of 4 stars). 2 submissions from 2 submitters: Uncertain significance (2). Last evaluated 2026-03-30.

Conditions:
Familial thoracic aortic aneurysm and aortic dissection (TAAD). Also called: Thoracic aortic aneurysms and dissections. Identifiers: Orphanet 91387, MedGen C4707243, MONDO:0019625.
Ehlers-Danlos syndrome, classic type, 1 (EDSCL1). Also called: EHLERS-DANLOS SYNDROME, GRAVIS TYPE; EHLERS-DANLOS SYNDROME, SEVERE CLASSIC TYPE; Ehlers-Danlos syndrome, type 1; Ehlers-Danlos Syndrome, Classic Type, COL5A1-Related; EDS I. Identifiers: MedGen C0268335, MONDO:0019567, OMIM 130000.

gnomAD v4.1: 11 of 1,613,916 alleles (0.00068%); highest among the groups gnomAD compares: Non-Finnish European, 0.00076%; no homozygotes.

Submissions (2):

Ambry Genetics
Classification: Uncertain significance for Familial thoracic aortic aneurysm and aortic dissection. Last evaluated: 2026-03-30. Review status: criteria provided, single submitter. Criteria: Ambry Variant Classification Scheme 2023. Collection method: clinical testing. Allele origin: germline.
Comment: The p.P1568S variant (also known as c.4702C>T), located in coding exon 62 of the COL5A1 gene, results from a C to T substitution at nucleotide position 4702. The proline at codon 1568 is replaced by serine, an amino acid with similar properties. This amino acid position is conserved. In addition, the in silico prediction for this alteration is inconclusive. Based on the available evidence, the clinical significance of this variant remains unclear.

Labcorp Genetics (formerly Invitae), Labcorp
Classification: Uncertain significance for Ehlers-Danlos syndrome, classic type, 1. Last evaluated: 2025-10-24. Review status: criteria provided, single submitter. Criteria: Invitae Variant Classification Sherloc (09022015). Collection method: clinical testing. Allele origin: germline.
Comment: This sequence change replaces proline, which is neutral and non-polar, with serine, which is neutral and polar, at codon 1568 of the COL5A1 protein (p.Pro1568Ser). The frequency data for this variant in the population databases is considered unreliable, as metrics indicate poor data quality at this position in the gnomAD database. This variant has not been reported in the literature in individuals affected with COL5A1-related conditions. Invitae Evidence Modeling of protein sequence and biophysical properties (such as structural, functional, and spatial information, amino acid conservation, physicochemical variation, residue mobility, and thermodynamic stability) indicates that this missense variant is not expected to disrupt COL5A1 protein function with a negative predictive value of 80%. In summary, the available evidence is currently insufficient to determine the role of this variant in disease. Therefore, it has been classified as a Variant of Uncertain Significance.

NM_000093.5(COL5A1):c.4702C>T (p.Pro1568Ser)

Genes: COL5A1 (collagen type V alpha 1 chain; plus strand), LOC101448202 (uncharacterized LOC101448202; minus strand). Cytogenetic location: 9q34.3.
Variant type: single nucleotide variant.
Coding change: c.4702C>T on transcript NM_000093.5 (MANE Select); coding-DNA position 4702, C replaced by T.
Protein change: p.Pro1568Ser; replaces proline 1568 with serine.
Molecular consequence: missense variant.
Genome position (GRCh38, 1-based): chr9:134,824,603, C>T. VCF-style: chr9-134824603-C-T. GRCh37 (hg19) VCF-style: chr9-137716449-C-T.
Other names: c.4702C>T, p.Pro1568Ser (NM_001278074.1); c.4702C>T (NM_000093.3); short protein forms P1568S.
Identifiers: ClinVar variation 4738772 (VCV004738772.2).
Genomic context (GRCh38, chr9:134,824,603, plus strand): 5'-ATCCTGGGACCCTTCCCATCCTCCATCACCCACCGCTGCTCCTGTTCTGTCCCCCAGGGC[C>T]CCCCGGGAGAGGTCATCCAGCCCCTGCCAATCCAGGCATCCAGGACGCGGCGGAACATCG-3'
Protein context (NP_000084.3, residues 1558-1578): GHPGPPGPPG[Pro1568Ser]PGEVIQPLPI